The following is an entry in ClinVar:

ClinVar aggregate classification (germline): Uncertain significance (1 of 4 stars; one submission).

gnomAD v4.1: 1 of 1,613,642 alleles (0.000062%); highest among the groups gnomAD compares: Admixed American, 0.0017%; no homozygotes.

Submission:

Ambry Genetics
Classification: Uncertain significance. Last evaluated: 2024-03-18. Review status: criteria provided, single submitter. Criteria: Ambry Variant Classification Scheme 2023. Collection method: clinical testing. Allele origin: germline.
Comment: The p.C1371S variant (also known as c.4111T>A), located in coding exon 16 of the POLQ gene, results from a T to A substitution at nucleotide position 4111. The cysteine at codon 1371 is replaced by serine, an amino acid with dissimilar properties. This amino acid position is conserved. In addition, this alteration is predicted to be tolerated by in silico analysis. Based on the available evidence, the clinical significance of this alteration remains unclear.

NM_199420.4(POLQ):c.4111T>A (p.Cys1371Ser)

Gene: POLQ (DNA polymerase theta; minus strand). Cytogenetic location: 3q13.33.
Variant type: single nucleotide variant.
Coding change: c.4111T>A on transcript NM_199420.4 (MANE Select); coding-DNA position 4111, T replaced by A.
Protein change: p.Cys1371Ser; replaces cysteine 1371 with serine.
Molecular consequence: missense variant.
Genome position (GRCh38, 1-based): chr3:121,488,820, A>T on the plus strand (T>A on the coding strand, the complement: POLQ is on the minus strand). VCF-style: chr3-121488820-A-T. GRCh37 (hg19) VCF-style: chr3-121207667-A-T.
Other names: short protein forms C1371S.
Identifiers: ClinVar variation 3308577 (VCV003308577.1).